The following is an entry in ClinVar:

ClinVar aggregate classification (germline): Uncertain significance (1 of 4 stars; one submission).

Conditions:
Neurofibromatosis, type 1 (NF1). Also called: NEUROFIBROMATOSIS, TYPE I, SOMATIC; Neurofibromatosis, type I; VON RECKLINGHAUSEN DISEASE; Peripheral type neurofibromatosis. Identifiers: Orphanet 636, MedGen C0027831, MONDO:0018975, OMIM 162200. Disease mechanism: loss of function.

Submission:

Labcorp Genetics (formerly Invitae), Labcorp
Classification: Uncertain significance for Neurofibromatosis, type 1. Last evaluated: 2025-12-31. Review status: criteria provided, single submitter. Criteria: Invitae Variant Classification Sherloc (09022015). Collection method: clinical testing. Allele origin: germline.
Comment: This sequence change replaces methionine, which is neutral and non-polar, with isoleucine, which is neutral and non-polar, at codon 2353 of the NF1 protein (p.Met2353Ile). This variant is not present in population databases (gnomAD no frequency). This variant has not been reported in the literature in individuals affected with NF1-related conditions. ClinVar contains an entry for this variant (Variation ID: 1494364). Invitae Evidence Modeling of protein sequence and biophysical properties (such as structural, functional, and spatial information, amino acid conservation, physicochemical variation, residue mobility, and thermodynamic stability) has been performed for this missense variant. However, the output from this modeling did not meet the statistical confidence thresholds required to predict the impact of this variant on NF1 protein function. In summary, the available evidence is currently insufficient to determine the role of this variant in disease. Therefore, it has been classified as a Variant of Uncertain Significance.

NM_001042492.3(NF1):c.7122G>A (p.Met2374Ile)

Gene: NF1 (neurofibromin 1; plus strand). Cytogenetic location: 17q11.2.
Variant type: single nucleotide variant.
Coding change: c.7122G>A on transcript NM_001042492.3 (MANE Select); coding-DNA position 7122, G replaced by A.
Protein change: p.Met2374Ile; replaces methionine 2374 with isoleucine.
Molecular consequence: missense variant.
Genome position (GRCh38, 1-based): chr17:31,343,068, G>A. VCF-style: chr17-31343068-G-A. GRCh37 (hg19) VCF-style: chr17-29670086-G-A.
Other names: c.7059G>A, p.Met2353Ile (NM_000267.4); short protein forms M2374I, M2353I.
Identifiers: ClinVar variation 1494364 (VCV001494364.8), dbSNP rs2151565097, ClinGen allele CA399015636.
Genomic context (GRCh38, chr17:31,343,068, plus strand): 5'-GAGTCCAGAGGAAGTATTTATGGCAATCCGGAATCCTCTGGAGTGGCACTGCAAGCAAAT[G>A]GATCATTTTGTTGGACTCAATTTCAACTCTAACTTTAACTTTGCATTGGTTGGACACCTT-3'
Protein context (NP_001035957.1, residues 2364-2384): RNPLEWHCKQ[Met2374Ile]DHFVGLNFNS